The following is an entry in ClinVar:

ClinVar aggregate classification (germline): Uncertain significance (1 of 4 stars; one submission).

Conditions:
Alstrom syndrome (ALMS). Identifiers: Orphanet 64, MedGen C0268425, MONDO:0008763, OMIM 203800.

Allele frequency attached by ClinVar (database versions not stated): gnomAD exomes below 0.00001; TOPMed below 0.00001.
gnomAD v4.1: 2 of 1,614,212 alleles (0.00012%); highest among the groups gnomAD compares: Non-Finnish European, 0.000085%; no homozygotes.

Submission:

Labcorp Genetics (formerly Invitae), Labcorp
Classification: Uncertain significance for Alstrom syndrome. Last evaluated: 2021-10-31. Review status: criteria provided, single submitter. Criteria: Invitae Variant Classification Sherloc (09022015). Collection method: clinical testing. Allele origin: germline.
Comment: This sequence change replaces asparagine, which is neutral and polar, with serine, which is neutral and polar, at codon 3012 of the ALMS1 protein (p.Asn3012Ser). This variant is not present in population databases (gnomAD no frequency). This variant has not been reported in the literature in individuals affected with ALMS1-related conditions. Experimental studies and prediction algorithms are not available or were not evaluated, and the functional significance of this variant is currently unknown. In summary, the available evidence is currently insufficient to determine the role of this variant in disease. Therefore, it has been classified as a Variant of Uncertain Significance.

NM_001378454.1(ALMS1):c.9032A>G (p.Asn3011Ser)

Gene: ALMS1 (ALMS1 centrosome and basal body associated protein; plus strand). Cytogenetic location: 2p13.1.
Variant type: single nucleotide variant.
Coding change: c.9032A>G on transcript NM_001378454.1 (MANE Select); coding-DNA position 9032, A replaced by G.
Protein change: p.Asn3011Ser; replaces asparagine 3011 with serine.
Molecular consequence: missense variant.
Genome position (GRCh38, 1-based): chr2:73,490,991, A>G. VCF-style: chr2-73490991-A-G. GRCh37 (hg19) VCF-style: chr2-73718118-A-G.
Other names: c.9035A>G, p.Asn3012Ser (NM_015120.4); short protein forms N3012S, N3011S.
Identifiers: ClinVar variation 1367164 (VCV001367164.3), dbSNP rs1672972439, ClinGen allele CA347272520.